The following is an entry in ClinVar:

ClinVar aggregate classification (germline): Pathogenic/Likely pathogenic. Review status: criteria provided, multiple submitters, no conflicts (2 of 4 stars). 5 submissions from 5 submitters: Pathogenic (3); Likely pathogenic (2). Last evaluated 2025-10-23.

Conditions:
Ataxia-telangiectasia syndrome (AT). Also called: ATAXIA-TELANGIECTASIA, FRESNO VARIANT; Ataxia-telangiectasia, complementation group D; Cerebello-oculocutaneous telangiectasia; Immunodeficiency with ataxia telangiectasia; Ataxia-telangiectasia; Ataxia telangiectasia (A-T). Identifiers: Orphanet 100, MedGen C0004135, MONDO:0008840, OMIM 208900.
Hereditary cancer-predisposing syndrome. Also called: Neoplastic Syndromes, Hereditary; Hereditary neoplastic syndrome; Hereditary Cancer Syndrome; Tumor predisposition. Identifiers: Orphanet 140162, MedGen C0027672, MeSH D009386, MONDO:0015356.
Familial cancer of breast. Also called: hereditary breast carcinoma; Hereditary breast cancer; BREAST CANCER, FAMILIAL. Identifiers: Orphanet 227535, MedGen C0346153, MONDO:0016419, OMIM 114480. Disease mechanism: loss of function.

Submissions (5):

Ambry Genetics
Classification: Pathogenic for Hereditary cancer-predisposing syndrome. Last evaluated: 2025-10-23. Review status: criteria provided, single submitter. Criteria: Ambry Variant Classification Scheme 2023. Collection method: clinical testing. Allele origin: germline.
Comment: The c.72+2T>C intronic pathogenic mutation results from a T to C substitution two nucleotides after coding exon 1 in the ATM gene. This variant has been reported in conjunction with a second ATM mutation in one person diagnosed with ataxia telangiectasia (Sandoval N et al. Hum. Mol. Genet. 1999 Jan;8:69-79). This nucleotide position is highly conserved in available vertebrate species. Alterations that disrupt the canonical splice site are expected to result in aberrant splicing. In silico splice site analysis predicts that this alteration will weaken the native splice donor site. RNA studies have demonstrated that this alteration results in abnormal splicing in the set of samples tested (Ambry internal data). Based on the supporting evidence, this alteration is interpreted as a disease-causing mutation.

Labcorp Genetics (formerly Invitae), Labcorp
Classification: Pathogenic for Ataxia-telangiectasia syndrome. Last evaluated: 2024-09-18. Review status: criteria provided, single submitter. Criteria: Invitae Variant Classification Sherloc (09022015). Collection method: clinical testing. Allele origin: germline.
Comment: This sequence change affects a donor splice site in intron 2 of the ATM gene. It is expected to disrupt RNA splicing. Variants that disrupt the donor or acceptor splice site typically lead to a loss of protein function (PMID: 16199547), and loss-of-function variants in ATM are known to be pathogenic (PMID: 23807571, 25614872). This variant is not present in population databases (gnomAD no frequency). Disruption of this splice site has been observed in individuals with clinical features of ataxia-telangiectasia (PMID: 9887333; internal data). ClinVar contains an entry for this variant (Variation ID: 655274). Algorithms developed to predict the effect of sequence changes on RNA splicing suggest that this variant may disrupt the consensus splice site. For these reasons, this variant has been classified as Pathogenic.

Myriad Genetics, Inc.
Classification: Likely pathogenic for Familial cancer of breast. Last evaluated: 2024-01-05. Review status: criteria provided, single submitter. Criteria: Myriad Autosomal Dominant, Autosomal Recessive and X-Linked Classification Criteria (2023). Collection method: clinical testing. Allele origin: unknown.
Comment: This variant is considered likely pathogenic. This variant occurs within a consensus splice junction and is predicted to result in abnormal mRNA splicing of either an out-of-frame exon or an in-frame exon necessary for protein stability and/or normal function.

3billion
Classification: Pathogenic for Ataxia-telangiectasia syndrome. Last evaluated: 2022-05-22. Review status: criteria provided, single submitter. Criteria: ACMG Guidelines, 2015. Collection method: clinical testing. Allele origin: germline. Affected: yes. Observed: 1 heterozygote.
Comment: This variant has been reported as pathogenic more than twice (ClinVar ID: VCV000655274). It is absent from the gnomAD v2.1.1 dataset. Substitution at the splicing junction produces an abnormal splicing effect, which is expected to cause a loss of normal protein function via nonsense-mediated mRNA decay. Therefore, this variant is classified as pathogenic according to the recommendation of ACMG/AMP guideline.

Color Diagnostics, LLC DBA Color Health
Classification: Likely pathogenic for Hereditary cancer-predisposing syndrome. Last evaluated: 2020-09-03. Review status: criteria provided, single submitter. Criteria: ACMG Guidelines, 2015. Collection method: clinical testing. Allele origin: germline.
Comment: This variant causes a T to C nucleotide substitution at the +2 position of intron 2 of the ATM gene. Splice site prediction tools predict that this variant may have a significant impact on RNA splicing. To our knowledge, functional studies have not been performed for this variant. This variant has been reported in an individual affected with ataxia-telangiectasia in trans with a pathogenic truncation variant (PMID: 9887333). This variant has not been identified in the general population by the Genome Aggregation Database (gnomAD). Loss of ATM function is a known mechanism of disease. Based on the available evidence, this variant is classified as Likely Pathogenic.

Literature cited by the submitters: PubMed 9887333 (cited by Ambry Genetics and Labcorp Genetics (formerly Invitae), Labcorp); PubMed 16199547 (cited by Labcorp Genetics (formerly Invitae), Labcorp); PubMed 23807571 (cited by Labcorp Genetics (formerly Invitae), Labcorp); PubMed 25614872 (cited by Labcorp Genetics (formerly Invitae), Labcorp).

NM_000051.4(ATM):c.72+2T>C

Gene: ATM (ATM serine/threonine kinase; plus strand). Cytogenetic location: 11q22.3.
Variant type: single nucleotide variant.
Coding change: c.72+2T>C on transcript NM_000051.4 (MANE Select); the canonical splice donor site of the intron after coding-DNA position 72, T replaced by C.
Molecular consequence: splice donor variant.
Genome position (GRCh38, 1-based): chr11:108,227,698, T>C. VCF-style: chr11-108227698-T-C. GRCh37 (hg19) VCF-style: chr11-108098425-T-C.
Other names: c.72+2T>C (NM_001351834.2, NM_001351835.2, NM_001351836.2).
Identifiers: ClinVar variation 655274 (VCV000655274.16), dbSNP rs1591446206, ClinGen allele CA382519400.